The following is an entry in ClinVar:

ClinVar aggregate classification (germline): Pathogenic (1 of 4 stars; one submission).

Conditions:
Mucopolysaccharidosis, MPS-II (MPS2). Also called: Hunter Syndrome; IDURONATE 2-SULFATASE DEFICIENCY; Mucopolysaccharidosis Type II; Mucopolysaccharidosis type 2; Attenuated MPS (subtype; formerly known as mild MPS II); Severe MPS II. Identifiers: Orphanet 580, Orphanet 79388, MedGen C0026705, MONDO:0010674, OMIM 309900.

Submission:

Laboratory of Diagnosis and Therapy of Lysosomal Disorders, University of Padova
Classification: Pathogenic for Mucopolysaccharidosis, MPS-II. Last evaluated: 2024-06-07. Review status: criteria provided, single submitter. Criteria: ACMG Guidelines, 2015. Collection method: literature only. Allele origin: germline. Affected: yes. Observed: 1 variant allele.
Comment: Absent from controls (or at low frequency) in gnomAD database (PM2_Moderate), Missense change at the same amino acid residue as a pathogenic variant (PM5_Moderate), Missense variant in a gene with a low rate of benign missense variation (PP2_Supporting), Multiple lines of computational evidence support a deleterious effect (PP3_Supporting), Patient’s phenotype or family history highly specific for the disease (PP4_Strong)

Classification method: ACMG Guidelines [PMID:25741868] with modifications

Literature cited by the submitters: PubMed 36945845.

NM_000202.8(IDS):c.1019G>T (p.Gly340Val)

Genes: IDS (iduronate 2-sulfatase; minus strand), LOC106050102 (IDS recombination region; plus strand). Cytogenetic location: Xq28.
Variant type: single nucleotide variant.
Coding change: c.1019G>T on transcript NM_000202.8 (MANE Select); coding-DNA position 1019, G replaced by T.
Protein change: p.Gly340Val; replaces glycine 340 with valine.
Molecular consequence: missense variant.
Genome position (GRCh38, 1-based): chrX:149,487,086, C>A on the plus strand (G>T on the coding strand, the complement: IDS is on the minus strand). VCF-style: chrX-149487086-C-A. GRCh37 (hg19) VCF-style: chrX-148568617-C-A.
Other names: c.749G>T, p.Gly250Val (NM_001166550.4); short protein forms G250V, G340V.
Identifiers: ClinVar variation 3255922 (VCV003255922.2).